The following is an entry in ClinVar:

NM_000558.5(HBA1):c.95+1G>A

Genes: HBA1 (hemoglobin subunit alpha 1; plus strand), LOC106804613 (hemoglobin subunit alpha 1 recombination region; plus strand). Cytogenetic location: 16p13.3.
Variant type: single nucleotide variant.
Coding change: c.95+1G>A on transcript NM_000558.5 (MANE Select); the canonical splice donor site of the intron after coding-DNA position 95, G replaced by A.
Molecular consequence: splice donor variant.
Genome position (GRCh38, 1-based): chr16:176,812, G>A. VCF-style: chr16-176812-G-A. GRCh37 (hg19) VCF-style: chr16-226811-G-A.
Other names: c.95+1G>A (NM_000558.4).
Identifiers: ClinVar variation 2681961 (VCV002681961.5), dbSNP rs1201093320, ClinGen allele CA393995025.

ClinVar aggregate classification (germline): Pathogenic. Review status: criteria provided, multiple submitters, no conflicts (2 of 4 stars). 4 submissions from 4 submitters: Pathogenic (4). Last evaluated 2026-01-14.

Conditions:
alpha Thalassemia. Also called: Alpha thalassemia spectrum. Identifiers: Orphanet 846, MedGen C0002312, MONDO:0011399, OMIM 604131.
Heinz body anemia. Also called: Heinz body hemolytic anemia. Identifiers: Orphanet 178330, MedGen C0700299, MONDO:0007705, OMIM 140700, HP:0005511.
Methemoglobinemia, alpha type. Identifiers: MedGen C4693798, MONDO:0020835, OMIM 617973.
Erythrocytosis, familial, 7. Also called: ERYTHROCYTOSIS 7; ERYTHROCYTOSIS, ALPHA-GLOBIN TYPE; POLYCYTHEMIA, ALPHA-GLOBIN TYPE. Identifiers: MedGen C4693823, MONDO:0054802, OMIM 617981.
Hemoglobin H disease (HBH). Also called: ALPHA-THALASSEMIA, HEMOGLOBIN H TYPE; HEMOGLOBIN H DISEASE, DELETIONAL; Hemoglobin H (HbH) Disease. Identifiers: Orphanet 93616, MedGen C3161174, MONDO:0013512, OMIM 613978. Disease mechanism: loss of function.

Allele frequency attached by ClinVar (database versions not stated): 1000 Genomes Project 30x 0.00016.

Submissions (4):

Natera, Inc.
Classification: Pathogenic for Alpha thalassemia. Last evaluated: 2026-01-14. Review status: criteria provided, single submitter. Criteria: Natera Variant Classification Schema (03/2026). Collection method: clinical testing. Allele origin: germline.
Comment: The c.95+1G>A variant in HBA1 is a canonical splice donor site variant predicted to affect pre-mRNA splicing, which may result in an abnormal transcript and altered protein product. This variant is expected to result in nonsense mediated decay, truncation, or a dysfunctional protein product. This variant is rare in the general population with a frequency below the threshold expected for the associated phenotype(s). This variant has been observed in one or more individuals affected with the associated recessive disease, as either homozygous or compound heterozygous with a second variant (PMID: 34293487). Given the available evidence, this variant is classified as Pathogenic.

ARUP Laboratories, Molecular Genetics and Genomics, ARUP Laboratories
Classification: Pathogenic. Last evaluated: 2024-09-30. Review status: criteria provided, single submitter. Criteria: ARUP Molecular Germline Variant Investigation Process 2024. Collection method: clinical testing. Allele origin: germline.
Comment: The HBA1 c.95+1G>A variant (rs1201093320), also known as IVSI-1 G>A, is reported in the literature in several individuals with Hb H that also carried the â€“SEA deletion (Fjeld 2023, Harteveld 2000, Liang 2021, Viprakasit 2014). An analogous c.95+1G>A variant in the HBA2 gene has also been reported in a sickle cell carrier with microcytic anemia and reduced Hb S levels (Waye 2009). The HBA1 c.95+1G>A variant is only observed on one allele in the Genome Aggregation Database, indicating it is not a common polymorphism. This variant abolishes the canonical splice donor site of intron 1, and RNA studies indicate this leads to splicing at a cryptic splice donor, and introduction of a premature stop codon (Harteveld 2000). Based on available information, this variant is considered to be pathogenic. References: Fjeld B et al. Additional value of red blood cell parameters in predicting uncommon alpha-thalassemia; experience from 10?years of alpha-globin gene sequencing and copy number variation analysis. Int J Lab Hematol. 2023 Apr;45(2):250-259. PMID: 36567661. Harteveld CL et al. alpha-thalassaemia as a result of a novel splice donor site mutation of the alpha1-globin gene. Br J Haematol. 2000 Sep;110(3):694-8. PMID: 10997982. Liang Q et al. A More Universal Approach to Comprehensive Analysis of Thalassemia Alleles (CATSA). J Mol Diagn. 2021 Sep;23(9):1195-1204. PMID: 34293487. Viprakasit V et al. Clinical presentation and molecular identification of four uncommon alpha globin variants in Thailand. Initiation codon mutation of alpha2-globin Gene (HBA2:c.1delA), donor splice site mutation of alpha1-globin gene (IVSI-1, HBA1:c.95 + 1G>A), hemoglobin Queens Park/Chao Pra Ya (HBA1:c.98T>A) and hemoglobin Westmead (HBA2:c.369C>G). Acta Haematol. 2014;131(2):88-94. PMID: 24081251. Waye JS et al. alpha-Thalassemia caused by two novel splice mutations of the alpha2-globin gene: IVS-I-1 (G>A and G>T). Hemoglobin. 2009;33(6):519-22. PMID:19958200

Fulgent Genetics
Classification: Pathogenic for Heinz body anemia; alpha Thalassemia; Hemoglobin H disease; Methemoglobinemia, alpha type; Erythrocytosis, familial, 7. Last evaluated: 2024-02-13. Review status: criteria provided, single submitter. Criteria: ACMG Guidelines, 2015. Collection method: clinical testing. Allele origin: germline.

Quest Diagnostics Nichols Institute San Juan Capistrano
Classification: Pathogenic. Last evaluated: 2023-08-29. Review status: criteria provided, single submitter. Criteria: Quest Diagnostics criteria. Collection method: clinical testing. Allele origin: unknown.
Comment: The HBA1 c.95+1G>A variant disrupts a canonical splice-donor site and interferes with normal HBA1 mRNA splicing by activating a cryptic splice donor site, consequently leading to a premature stop codon (PMIDs: 10997982 (2000), 24081251 (2014)). This variant has been reported in the published literature in combination with additional pathogenic HBA1 variants in individuals with HbH disease (PMID: 10997982 (2000)) and alpha thalassemia (PMIDs: 24081251 (2014), 28125089 (2017)). This variant has not been reported in large, multi-ethnic general populations (Genome Aggregation Database). Based on the available information, this variant is classified as pathogenic.

Literature cited by the submitters: PubMed 34293487 (cited by Natera, Inc.); PubMed 26531168 (cited by Quest Diagnostics Nichols Institute San Juan Capistrano); PubMed 24081251 (cited by Quest Diagnostics Nichols Institute San Juan Capistrano); PubMed 10997982 (cited by Quest Diagnostics Nichols Institute San Juan Capistrano); PubMed 28125089 (cited by Quest Diagnostics Nichols Institute San Juan Capistrano); PubMed 30275481 (cited by Quest Diagnostics Nichols Institute San Juan Capistrano).